The following is an entry in ClinVar:

NM_000051.4(ATM):c.2436G>T (p.Met812Ile)

Gene: ATM (ATM serine/threonine kinase; plus strand). Cytogenetic location: 11q22.3.
Variant type: single nucleotide variant.
Coding change: c.2436G>T on transcript NM_000051.4 (MANE Select); coding-DNA position 2436, G replaced by T.
Protein change: p.Met812Ile; replaces methionine 812 with isoleucine.
Molecular consequence: missense variant.
Genome position (GRCh38, 1-based): chr11:108,259,045, G>T. VCF-style: chr11-108259045-G-T. GRCh37 (hg19) VCF-style: chr11-108129772-G-T.
Other names: c.2436G>T, p.Met812Ile (NM_001351834.2); short protein forms M812I.
Identifiers: ClinVar variation 2866944 (VCV002866944.4), dbSNP rs876658688, ClinGen allele CA382541311.
Genomic context (GRCh38, chr11:108,259,045, plus strand): 5'-GAAGAGTCCAAATAAGATTGCATCTGGCTTTTTCCTGCGATTGTTAACATCAAAGCTAAT[G>T]AATGACATTGCAGATATTTGTAAAAGTTTAGTAAGTATGCTTCCTGTTTTGCTATCATAT-3'
Protein context (NP_000042.3, residues 802-822): FFLRLLTSKL[Met812Ile]NDIADICKSL

ClinVar aggregate classification (germline): Conflicting classifications of pathogenicity. Review status: criteria provided, conflicting classifications (1 of 4 stars). 2 submissions from 2 submitters: Uncertain significance (1); Likely benign (1). Last evaluated 2026-02-23.

Conditions:
Hereditary cancer-predisposing syndrome. Also called: Tumor predisposition; Neoplastic Syndromes, Hereditary; Hereditary Cancer Syndrome; Hereditary neoplastic syndrome. Identifiers: Orphanet 140162, MedGen C0027672, MeSH D009386, MONDO:0015356.
Ataxia-telangiectasia syndrome (AT). Also called: LOUIS-BAR SYNDROME; Cerebello-oculocutaneous telangiectasia; Immunodeficiency with ataxia telangiectasia; Ataxia-telangiectasia, complementation group D; AT, COMPLEMENTATION GROUP C; ATAXIA-TELANGIECTASIA, COMPLEMENTATION GROUP A. Identifiers: Orphanet 100, MedGen C0004135, MONDO:0008840, OMIM 208900.

Submissions (2):

Ambry Genetics
Classification: Likely benign for Hereditary cancer-predisposing syndrome. Last evaluated: 2026-02-23. Review status: criteria provided, single submitter. Criteria: Ambry Variant Classification Scheme 2023. Collection method: clinical testing. Allele origin: germline.

Labcorp Genetics (formerly Invitae), Labcorp
Classification: Uncertain significance for Ataxia-telangiectasia syndrome. Last evaluated: 2023-05-22. Review status: criteria provided, single submitter. Criteria: Invitae Variant Classification Sherloc (09022015). Collection method: clinical testing. Allele origin: germline.
Comment: An algorithm developed to predict the effect of missense changes on protein structure and function (PolyPhen-2) suggests that this variant is likely to be tolerated. In summary, the available evidence is currently insufficient to determine the role of this variant in disease. Therefore, it has been classified as a Variant of Uncertain Significance. This variant has not been reported in the literature in individuals affected with ATM-related conditions. This variant is not present in population databases (gnomAD no frequency). This sequence change replaces methionine, which is neutral and non-polar, with isoleucine, which is neutral and non-polar, at codon 812 of the ATM protein (p.Met812Ile).

Literature cited by the submitters: PubMed 40580951 (cited by Ambry Genetics).